The following is an entry in ClinVar:

ClinVar aggregate classification (germline): Uncertain significance (1 of 4 stars; one submission).

Conditions:
Hereditary cancer-predisposing syndrome. Also called: Neoplastic Syndromes, Hereditary; Tumor predisposition; Hereditary Cancer Syndrome; Hereditary neoplastic syndrome. Identifiers: Orphanet 140162, MedGen C0027672, MeSH D009386, MONDO:0015356.

Submission:

Ambry Genetics
Classification: Uncertain significance for Hereditary cancer-predisposing syndrome. Last evaluated: 2020-11-16. Review status: criteria provided, single submitter. Criteria: Ambry Variant Classification Scheme 2023. Collection method: clinical testing. Allele origin: germline.
Comment: The p.N131D variant (also known as c.391A>G), located in coding exon 2 of the VHL gene, results from an A to G substitution at nucleotide position 391. The asparagine at codon 131 is replaced by aspartic acid, an amino acid with highly similar properties. This amino acid position is highly conserved in available vertebrate species. In addition, the in silico prediction for this alteration is inconclusive. Since supporting evidence is limited at this time, the clinical significance of this alteration remains unclear.

NM_000551.4(VHL):c.391A>G (p.Asn131Asp)

Genes: VHL (von Hippel-Lindau tumor suppressor; plus strand), LOC107303340 (3p25 von Hippel-Lindau tumor suppressor, E3 ubiquitin protein ligase Alu-mediated recombination region; plus strand). Cytogenetic location: 3p25.3.
Variant type: single nucleotide variant.
Coding change: c.391A>G on transcript NM_000551.4 (MANE Select); coding-DNA position 391, A replaced by G.
Protein change: p.Asn131Asp; replaces asparagine 131 with aspartic acid.
Molecular consequence: missense variant. On other transcripts: intron variant (2).
Genome position (GRCh38, 1-based): chr3:10,146,564, A>G. VCF-style: chr3-10146564-A-G. GRCh37 (hg19) VCF-style: chr3-10188248-A-G.
Other names: c.*18-3223A>G (NM_001354723.2); c.341-3223A>G (NM_198156.3); short protein forms N131D.
Identifiers: ClinVar variation 1736176 (VCV001736176.2), dbSNP rs2125128340, ClinGen allele CA351753931.
Genomic context (GRCh38, chr3:10,146,564, plus strand): 5'-GTCCCGATAGGTCACCTTTGGCTCTTCAGAGATGCAGGGACACACGATGGGCTTCTGGTT[A>G]ACCAAACTGAATTATTTGTGCCATCTCTCAATGTTGACGGACAGCCTATTTTTGCCAATA-3'
Protein context (NP_000542.1, residues 121-141): DAGTHDGLLV[Asn131Asp]QTELFVPSLN